The following is an entry in ClinVar:

ClinVar aggregate classification (germline): Conflicting classifications of pathogenicity. Review status: criteria provided, conflicting classifications (1 of 4 stars). 4 submissions from 4 submitters: Uncertain significance (1); Benign (1); Likely benign (2). Last evaluated 2026-07-09.

Conditions:
Intellectual disability, autosomal dominant 16 (CSS4). Also called: COFFIN-SIRIS SYNDROME 4. Identifiers: Orphanet 1465, MedGen C3553249, MONDO:0013821, OMIM 614609.
Rhabdoid tumor predisposition syndrome 2 (RTPS2). Identifiers: Orphanet 231108, Orphanet 69077, MedGen C2750074, MONDO:0013224, OMIM 613325.
Hereditary cancer-predisposing syndrome. Also called: Tumor predisposition; Neoplastic Syndromes, Hereditary; Hereditary Cancer Syndrome; Hereditary neoplastic syndrome. Identifiers: Orphanet 140162, MedGen C0027672, MeSH D009386, MONDO:0015356.

Submissions (4):

Myriad Genetics, Inc.
Classification: Benign for Rhabdoid tumor predisposition syndrome 2. Last evaluated: 2026-07-09. Review status: criteria provided, single submitter. Criteria: Myriad Autosomal Dominant, Autosomal Recessive and X-Linked Classification Criteria (2023). Collection method: clinical testing. Allele origin: unknown.
Comment: This variant is considered benign. This variant is a silent/synonymous amino acid change and it is not expected to impact splicing.

Labcorp Genetics (formerly Invitae), Labcorp
Classification: Likely benign for Rhabdoid tumor predisposition syndrome 2. Last evaluated: 2025-06-15. Review status: criteria provided, single submitter. Criteria: Invitae Variant Classification Sherloc (09022015). Collection method: clinical testing. Allele origin: germline.

Genome-Nilou Lab
Classification: Uncertain significance for Intellectual disability, autosomal dominant 16. Last evaluated: 2021-07-15. Review status: criteria provided, single submitter. Criteria: ACMG Guidelines, 2015. Collection method: clinical testing. Allele origin: germline. Affected: no.

Ambry Genetics
Classification: Likely benign for Hereditary cancer-predisposing syndrome. Last evaluated: 2016-03-14. Review status: criteria provided, single submitter. Criteria: Ambry Variant Classification Scheme 2023. Collection method: clinical testing. Allele origin: germline.

NM_003072.5(SMARCA4):c.729C>T (p.Gly243=)

Gene: SMARCA4 (SWI/SNF related BAF chromatin remodeling complex subunit ATPase 4; plus strand). Cytogenetic location: 19p13.2.
Variant type: single nucleotide variant.
Coding change: c.729C>T on transcript NM_003072.5 (MANE Select); coding-DNA position 729, C replaced by T.
Protein change: p.Gly243=; no amino-acid change (glycine 243 retained).
Molecular consequence: synonymous variant. On other transcripts: non-coding transcript variant (1).
Genome position (GRCh38, 1-based): chr19:10,986,562, C>T. VCF-style: chr19-10986562-C-T. GRCh37 (hg19) VCF-style: chr19-11097238-C-T.
Other names: c.729C>T, p.Gly243= (NM_001128844.3, NM_001128845.2, NM_001128846.2 and 5 more transcripts).
Identifiers: ClinVar variation 484893 (VCV000484893.17), dbSNP rs1031885122, ClinGen allele CA305286886.